The following is an entry in ClinVar:

ClinVar aggregate classification (germline): Benign/Likely benign. Review status: criteria provided, multiple submitters, no conflicts (2 of 4 stars). 10 submissions from 10 submitters: Benign (1); Likely benign (9). Last evaluated 2026-05-11.

Conditions:
Connective tissue disorder. Also called: Connective tissue disease. Identifiers: MedGen C0009782, MONDO:0003900.
ACTA2-related disorder. Also called: ACTA2-related condition; ACTA2-related disorders.
Familial thoracic aortic aneurysm and aortic dissection (TAAD). Also called: Thoracic aortic aneurysms and dissections. Identifiers: Orphanet 91387, MedGen C4707243, MONDO:0019625.
Aortic aneurysm, familial thoracic 6 (AAT6). Also called: FAMILIAL THORACIC AORTIC ANEURYSM WITH LIVEDO RETICULARIS AND IRIS FLOCCULI. Identifiers: MedGen C2673186, MONDO:0012730, OMIM 611788.

Allele frequency attached by ClinVar (database versions not stated): ExAC 0.00005; gnomAD exomes 0.00005 and 0.00006; TOPMed 0.00008; gnomAD 0.00011; ESP Exome Variant Server 0.00015.

Submissions (10):

Women's Health and Genetics/Laboratory Corporation of America, LabCorp
Classification: Benign. Last evaluated: 2026-05-11. Review status: criteria provided, single submitter. Criteria: LabCorp Variant Classification Summary - May 2015. Collection method: clinical testing. Allele origin: germline.

Labcorp Genetics (formerly Invitae), Labcorp
Classification: Likely benign for Aortic aneurysm, familial thoracic 6. Last evaluated: 2026-01-28. Review status: criteria provided, single submitter. Criteria: Invitae Variant Classification Sherloc (09022015). Collection method: clinical testing. Allele origin: germline.

PreventionGenetics, part of Exact Sciences
Classification: Likely benign for ACTA2-related condition. Last evaluated: 2025-10-16. Review status: criteria provided, single submitter. Criteria: ACMG Guidelines, 2015. Collection method: clinical testing. Allele origin: germline.
Comment: This variant is classified as likely benign based on ACMG/AMP sequence variant interpretation guidelines (Richards et al. 2015 PMID: 25741868, with internal and published modifications).

Blueprint Genetics
Classification: Likely benign. Last evaluated: 2024-05-10. Review status: criteria provided, single submitter. Criteria: ACMG Guidelines, 2015. Collection method: clinical testing. Allele origin: germline.

All of Us Research Program, National Institutes of Health
Classification: Likely benign for Familial thoracic aortic aneurysm and aortic dissection. Last evaluated: 2023-12-18. Review status: criteria provided, single submitter. Criteria: ACMG Guidelines, 2015. Collection method: clinical testing. Allele origin: germline. Inheritance: Autosomal dominant inheritance. Observed: 10 variant alleles, 10 heterozygotes.
Comment: This study involves interpretation of variants in research participants for the purpose of population health screening. Participant phenotype was not available at the time of variant classification. Additional details can be found in publication PMID: 35346344, PMCID: PMC8962531

GeneDx
Classification: Likely benign. Last evaluated: 2020-12-16. Review status: criteria provided, single submitter. Criteria: GeneDx Variant Classification Process June 2021. Collection method: clinical testing. Allele origin: germline. Affected: yes.

Color Diagnostics, LLC DBA Color Health
Classification: Likely benign for Familial thoracic aortic aneurysm and aortic dissection. Last evaluated: 2019-11-13. Review status: criteria provided, single submitter. Criteria: ACMG Guidelines, 2015. Collection method: clinical testing. Allele origin: germline.

CHEO Genetics Diagnostic Laboratory, Children's Hospital of Eastern Ontario
Classification: Likely benign for Familial thoracic aortic aneurysm and aortic dissection. Last evaluated: 2019-01-25. Review status: criteria provided, single submitter. Criteria: ACMG Guidelines, 2015. Collection method: clinical testing. Allele origin: germline.

Ambry Genetics
Classification: Likely benign for Familial thoracic aortic aneurysm and aortic dissection. Last evaluated: 2018-10-15. Review status: criteria provided, single submitter. Criteria: Ambry Variant Classification Scheme 2023. Collection method: clinical testing. Allele origin: germline.

Center for Human Genetics, Inc
Classification: Likely benign for Connective tissue disorder. Last evaluated: 2018-06-01. Review status: criteria provided, single submitter. Criteria: ACMG Guidelines, 2015. Collection method: clinical testing. Allele origin: germline. Affected: yes.

NM_001613.4(ACTA2):c.606C>T (p.Phe202=)

Gene: ACTA2 (actin alpha 2, smooth muscle; minus strand). Cytogenetic location: 10q23.31.
Variant type: single nucleotide variant.
Coding change: c.606C>T on transcript NM_001613.4 (MANE Select); coding-DNA position 606, C replaced by T.
Protein change: p.Phe202=; no amino-acid change (phenylalanine 202 retained).
Molecular consequence: synonymous variant.
Genome position (GRCh38, 1-based): chr10:88,941,239, G>A on the plus strand (C>T on the coding strand, the complement: ACTA2 is on the minus strand). VCF-style: chr10-88941239-G-A. GRCh37 (hg19) VCF-style: chr10-90700996-G-A.
Other names: c.606C>T, p.Phe202= (NM_001141945.3, NM_001320855.2, NM_001406462.1 and 3 more transcripts); c.495C>T, p.Phe165= (NM_001406466.1); c.477C>T, p.Phe159= (NM_001406467.1, NM_001406468.1, NM_001406469.1).
Identifiers: ClinVar variation 512884 (VCV000512884.25), dbSNP rs143771352, ClinGen allele CA028803.
Genomic context (GRCh38, chr10:88,941,239, plus strand): 5'-ACTGAGCAACACACTGCTCCCCTCTCCCCCTTATCTCCCACAGGCCTCACCAGTAGTAAC[G>A]AAGGAATAGCCACGCTCAGTCAGGATCTTCATGAGGTAGTCAGTGAGATCTCGGCCAGCC-3'
Protein context (NP_001604.1, residues 192-212): MKILTERGYS[Phe202=]VTTAEREIVR